The following is an entry in ClinVar:

NM_000038.6(APC):c.7909G>A (p.Gly2637Ser)

Gene: APC (APC regulator of Wnt signaling pathway; plus strand). Cytogenetic location: 5q22.2.
Variant type: single nucleotide variant.
Coding change: c.7909G>A on transcript NM_000038.6 (MANE Select); coding-DNA position 7909, G replaced by A.
Protein change: p.Gly2637Ser; replaces glycine 2637 with serine.
Molecular consequence: missense variant.
Genome position (GRCh38, 1-based): chr5:112,843,503, G>A. VCF-style: chr5-112843503-G-A. GRCh37 (hg19) VCF-style: chr5-112179200-G-A.
Other names: c.7939G>A, p.Gly2647Ser (NM_001354897.2); c.7834G>A, p.Gly2612Ser (NM_001354898.2); c.7825G>A, p.Gly2609Ser (NM_001354899.2); c.7732G>A, p.Gly2578Ser (NM_001354901.2); c.7786G>A, p.Gly2596Ser (NM_001354900.2); c.7636G>A, p.Gly2546Ser (NM_001354902.2); c.7606G>A, p.Gly2536Ser (NM_001354903.2); c.7531G>A, p.Gly2511Ser (NM_001354904.2); and 5 more; short protein forms G2637S, G2619S, G2477S, G2546S, G2609S, G2612S, G2655S, G2536S.
Identifiers: ClinVar variation 411370 (VCV000411370.21), dbSNP rs1060503272, ClinGen allele CA16038508.
Genomic context (GRCh38, chr5:112,843,503, plus strand): 5'-GAAAATGAATTTTCTCCCACAAATAGTACTTCTCAGACCGTTTCCTCAGGTGCTACAAAT[G>A]GTGCTGAATCAAAGACTCTAATTTATCAAATGGCACCTGCTGTTTCTAAAACAGAGGATG-3'
Protein context (NP_000029.2, residues 2627-2647): SQTVSSGATN[Gly2637Ser]AESKTLIYQM

ClinVar aggregate classification (germline): Uncertain significance. Review status: criteria provided, multiple submitters, no conflicts (2 of 4 stars). 3 submissions from 3 submitters: Uncertain significance (3). Last evaluated 2025-11-21.

Conditions:
Familial adenomatous polyposis 1 (FAP1). Also called: FAMILIAL ADENOMATOUS POLYPOSIS 1, ATTENUATED; POLYPOSIS, ADENOMATOUS INTESTINAL. Identifiers: MedGen C2713442, MONDO:0021056, OMIM 175100. Disease mechanism: loss of function.
Hereditary cancer-predisposing syndrome. Also called: Tumor predisposition; Hereditary Cancer Syndrome; Hereditary neoplastic syndrome; Neoplastic Syndromes, Hereditary. Identifiers: Orphanet 140162, MedGen C0027672, MeSH D009386, MONDO:0015356.

Allele frequency attached by ClinVar (database versions not stated): TOPMed below 0.00001.

Submissions (3):

Ambry Genetics
Classification: Uncertain significance for Hereditary cancer-predisposing syndrome. Last evaluated: 2025-11-21. Review status: criteria provided, single submitter. Criteria: Ambry Variant Classification Scheme 2023. Collection method: clinical testing. Allele origin: germline.
Comment: The p.G2637S variant (also known as c.7909G>A), located in coding exon 15 of the APC gene, results from a G to A substitution at nucleotide position 7909. The glycine at codon 2637 is replaced by serine, an amino acid with similar properties. This amino acid position is well conserved in available vertebrate species. In addition, in silico predictors for this gene do not accurately predict pathogenicity. Missense alterations in APC are not a common cause of disease (Spier I et al. Genet Med. 2024 Feb;26(2):100992). Based on the available evidence, the clinical significance of this variant remains unclear.

Labcorp Genetics (formerly Invitae), Labcorp
Classification: Uncertain significance for Familial adenomatous polyposis 1. Last evaluated: 2025-05-11. Review status: criteria provided, single submitter. Criteria: Invitae Variant Classification Sherloc (09022015). Collection method: clinical testing. Allele origin: germline.
Comment: This sequence change replaces glycine, which is neutral and non-polar, with serine, which is neutral and polar, at codon 2637 of the APC protein (p.Gly2637Ser). This variant is not present in population databases (gnomAD no frequency). This variant has not been reported in the literature in individuals affected with APC-related conditions. ClinVar contains an entry for this variant (Variation ID: 411370). Invitae Evidence Modeling of protein sequence and biophysical properties (such as structural, functional, and spatial information, amino acid conservation, physicochemical variation, residue mobility, and thermodynamic stability) indicates that this missense variant is not expected to disrupt APC protein function with a negative predictive value of 95%. In summary, the available evidence is currently insufficient to determine the role of this variant in disease. Therefore, it has been classified as a Variant of Uncertain Significance.

GeneDx
Classification: Uncertain significance. Last evaluated: 2019-10-23. Review status: criteria provided, single submitter. Criteria: GeneDx Variant Classification Process June 2021. Collection method: clinical testing. Allele origin: germline. Affected: yes.
Comment: Not observed in large population cohorts (Lek 2016); In silico analysis, which includes protein predictors and evolutionary conservation, supports that this variant does not alter protein structure/function; Has not been previously published as pathogenic or benign to our knowledge